The following is an entry in ClinVar:

ClinVar aggregate classification (germline): Benign. Review status: criteria provided, multiple submitters, no conflicts (2 of 4 stars). 6 submissions from 6 submitters: Benign (5). 1 of the submissions does not count toward it. Last evaluated 2026-01-09.

Conditions:
Methylmalonic aciduria due to complete methylmalonyl-CoA mutase deficiency.
Methylmalonic aciduria due to methylmalonyl-CoA mutase deficiency (MAMM). Also called: Methylmalonic aciduria, mut type. Identifiers: Orphanet 27, MedGen C1855114, MONDO:0009612, OMIM 251000.

Allele frequency attached by ClinVar (database versions not stated): 1000 Genomes Project 30x 0.20472; 1000 Genomes Project 0.20847; TOPMed 0.21062; gnomAD 0.21722 and 0.21911; gnomAD exomes 0.24369.
gnomAD v4.1: 283,522 of 1,178,926 alleles (24%); highest among the groups gnomAD compares: Middle Eastern, 29%; 35,429 homozygotes.

Submissions (6):

Labcorp Genetics (formerly Invitae), Labcorp
Classification: Benign. Last evaluated: 2026-01-09. Review status: criteria provided, single submitter. Criteria: Invitae Variant Classification Sherloc (09022015). Collection method: clinical testing. Allele origin: germline.

ARUP Laboratories, Molecular Genetics and Genomics, ARUP Laboratories
Classification: Benign for Methylmalonic aciduria due to methylmalonyl-CoA mutase deficiency. Last evaluated: 2022-01-06. Review status: criteria provided, single submitter. Criteria: ARUP Molecular Germline Variant Investigation Process 2021. Collection method: clinical testing. Allele origin: germline.

Pars Genome Lab
Classification: Benign for Methylmalonic aciduria due to methylmalonyl-CoA mutase deficiency. Last evaluated: 2021-06-19. Review status: criteria provided, single submitter. Criteria: ACMG Guidelines, 2015. Collection method: clinical testing. Allele origin: germline. Affected: no.

Eurofins Ntd Llc (ga)
Classification: Benign. Last evaluated: 2017-01-06. Review status: criteria provided, single submitter. Criteria: EGL Classification Definitions 2015. Collection method: clinical testing. Allele origin: germline. Observed: 3 variant alleles, 3 heterozygotes.

GeneDx
Classification: Benign. Last evaluated: 2015-03-03. Review status: criteria provided, single submitter. Criteria: GeneDx Variant Classification Process June 2021. Collection method: clinical testing. Allele origin: germline. Affected: yes.
Comment: This variant is associated with the following publications: (PMID: 27884173, 21671183)

Natera, Inc.
Classification: Benign for Methylmalonic aciduria due to complete methylmalonyl-CoA mutase deficiency. Last evaluated: 2019-08-28. Review status: no assertion criteria provided. Collection method: clinical testing. Allele origin: germline. Not counted in ClinVar's aggregate classification.

NM_000255.4(MMUT):c.1676+77A>C

Gene: MMUT (methylmalonyl-CoA mutase; minus strand). Cytogenetic location: 6p12.3.
Variant type: single nucleotide variant.
Coding change: c.1676+77A>C on transcript NM_000255.4 (MANE Select); 77 bases into the intron after coding-DNA position 1676, A replaced by C.
Molecular consequence: intron variant.
Genome position (GRCh38, 1-based): chr6:49,444,562, T>G on the plus strand (A>C on the coding strand, the complement: MMUT is on the minus strand). VCF-style: chr6-49444562-T-G. GRCh37 (hg19) VCF-style: chr6-49412275-T-G.
Identifiers: ClinVar variation 498783 (VCV000498783.33), dbSNP rs9381786, ClinGen allele CA12236108.
Genomic context (GRCh38, chr6:49,444,562, plus strand): 5'-TAAATTTACGATGGATGCCATTATTTTCTTTTGGGCTCACATGGTTTACAGGATCAACCT[T>G]TTATTTAAGTATACTCTGAAAAGCTAAACTGGTCAACTTTTAGTCTTTGGAAACCTCCAA-3'